The following is an entry in ClinVar:

ClinVar aggregate classification (germline): Benign. Review status: criteria provided, multiple submitters, no conflicts (2 of 4 stars). 2 submissions from 2 submitters: Benign (2). Last evaluated 2018-06-14.

Allele frequency attached by ClinVar (database versions not stated): gnomAD 0.65921; TOPMed 0.72007; 1000 Genomes Project 0.79311; 1000 Genomes Project 30x 0.79480.

Submissions (2):

GeneDx
Classification: Benign. Last evaluated: 2018-06-14. Review status: criteria provided, single submitter. Criteria: GeneDx Variant Classification (06012015). Collection method: clinical testing. Allele origin: germline. Affected: yes.
Comment: This variant is considered likely benign or benign based on one or more of the following criteria: it is a conservative change, it occurs at a poorly conserved position in the protein, it is predicted to be benign by multiple in silico algorithms, and/or has population frequency not consistent with disease.

Breakthrough Genomics
Classification: Benign. Review status: criteria provided, single submitter. Criteria: ACMG Guidelines, 2015. Collection method: not provided. Allele origin: germline. Inheritance: X-linked inheritance. Affected: yes.

NM_080632.3(UPF3B):c.470-68T>C

Gene: UPF3B (UPF3B regulator of nonsense mediated mRNA decay; minus strand). Cytogenetic location: Xq24.
Variant type: single nucleotide variant.
Coding change: c.470-68T>C on transcript NM_080632.3 (MANE Select); 68 bases into the intron before coding-DNA position 470, T replaced by C.
Molecular consequence: intron variant.
Genome position (GRCh38, 1-based): chrX:119,843,369, A>G on the plus strand (T>C on the coding strand, the complement: UPF3B is on the minus strand). VCF-style: chrX-119843369-A-G. GRCh37 (hg19) VCF-style: chrX-118977332-A-G.
Other names: c.470-68T>C (NM_023010.4).
Identifiers: ClinVar variation 673765 (VCV000673765.2), dbSNP rs2496213, ClinGen allele CA334126749.